The following is an entry in ClinVar:

ClinVar aggregate classification (germline): Pathogenic (1 of 4 stars; one submission).

Submission:

Labcorp Genetics (formerly Invitae), Labcorp
Classification: Pathogenic. Last evaluated: 2025-09-28. Review status: criteria provided, single submitter. Criteria: Invitae Variant Classification Sherloc (09022015). Collection method: clinical testing. Allele origin: germline.
Comment: This sequence change creates a premature translational stop signal (p.Lys1182Argfs*14) in the ABCA4 gene. It is expected to result in an absent or disrupted protein product. Loss-of-function variants in ABCA4 are known to be pathogenic (PMID: 10958761, 24938718, 25312043, 26780318). This variant is not present in population databases (gnomAD no frequency). This premature translational stop signal has been observed in individual(s) with Stargardt disease (PMID: 21911583). ClinVar contains an entry for this variant (Variation ID: 2733928). For these reasons, this variant has been classified as Pathogenic.

Literature cited by the submitters: PubMed 10958761; PubMed 24938718; PubMed 25312043; PubMed 26780318; PubMed 21911583.

NM_000350.3(ABCA4):c.3543del (p.Lys1182fs)

Gene: ABCA4 (ATP binding cassette subfamily A member 4; minus strand). Cytogenetic location: 1p22.1.
Variant type: Deletion.
Coding change: c.3543del on transcript NM_000350.3 (MANE Select); coding-DNA position 3543, one base deleted (T; older notation c.3543delT).
Protein change: p.Lys1182fs; shifts the reading frame from lysine 1182.
Molecular consequence: frameshift variant.
Genome position (GRCh38, 1-based): chr1:94,040,107, A deleted on the plus strand (T on the coding strand, the reverse complement: ABCA4 is on the minus strand). VCF-style (leftmost placement, unchanged base first): chr1-94040106-TA-T. GRCh37 (hg19) VCF-style: chr1-94505662-TA-T.
Other names: c.3321delT, p.Lys1108Argfs (NM_001425324.1); short protein forms K1182fs.
Identifiers: ClinVar variation 2733928 (VCV002733928.3), dbSNP rs2523760594, ClinGen allele CA645372190.